The following is an entry in ClinVar:

NM_004655.4(AXIN2):c.251C>G (p.Ser84Cys)

Gene: AXIN2 (axin 2; minus strand). Cytogenetic location: 17q24.1.
Variant type: single nucleotide variant.
Coding change: c.251C>G on transcript NM_004655.4 (MANE Select); coding-DNA position 251, C replaced by G.
Protein change: p.Ser84Cys; replaces serine 84 with cysteine.
Molecular consequence: missense variant.
Genome position (GRCh38, 1-based): chr17:65,558,370, G>C on the plus strand (C>G on the coding strand, the complement: AXIN2 is on the minus strand). VCF-style: chr17-65558370-G-C. GRCh37 (hg19) VCF-style: chr17-63554488-G-C.
Other names: c.251C>G, p.Ser84Cys (NM_001363813.1); c.251C>G (LRG_296t1); short protein forms S84C.
Identifiers: ClinVar variation 240018 (VCV000240018.8), dbSNP rs878854729, ClinGen allele CA10583664.

ClinVar aggregate classification (germline): Uncertain significance (1 of 4 stars; one submission).

Conditions:
Oligodontia-cancer predisposition syndrome. Also called: TOOTH AGENESIS-COLORECTAL CANCER SYNDROME. Identifiers: Orphanet 300576, MedGen C1837750, MONDO:0012075, OMIM 608615. Disease mechanism: loss of function.

Allele frequency attached by ClinVar (database versions not stated): TOPMed 0.00001.
gnomAD v4.1: 1 of 1,612,852 alleles (0.000062%); highest among the groups gnomAD compares: African/African-American, 0.0013%; no homozygotes.

Submission:

Labcorp Genetics (formerly Invitae), Labcorp
Classification: Uncertain significance for Oligodontia-cancer predisposition syndrome. Last evaluated: 2015-11-14. Review status: criteria provided, single submitter. Criteria: Invitae Variant Classification Sherloc (09022015). Collection method: clinical testing. Allele origin: germline.
Comment: This sequence change replaces serine with cysteine at codon 84 of the AXIN2 protein (p.Ser84Cys). The serine residue is moderately conserved and there is a moderate physicochemical difference between serine and cysteine. This variant is not present in population databases (ExAC no frequency) and has not been reported in the literature. In summary, this is a novel missense change that is not predicted to affect protein function or cause disease. However the evidence is insufficient at this time to prove that conclusively. It has been classified as a Variant of Uncertain Significance. Algorithms developed to predict the effect of missense changes on protein structure and function (SIFT, PolyPhen-2, Align-GVGD) all suggest that this variant is likely to be tolerated, but these predictions have not been confirmed by published functional studies. Furthermore, the Cysteine amino acid residue is found in multiple mammalian species, suggesting that this missense change does not adversely affect protein function.